The following is an entry in ClinVar:

ClinVar aggregate classification (germline): Uncertain significance (1 of 4 stars; one submission).

Allele frequency attached by ClinVar (database versions not stated): gnomAD exomes 0.00001; TOPMed 0.00001; gnomAD 0.00001.
gnomAD v4.1: 20 of 1,614,056 alleles (0.0012%); highest among the groups gnomAD compares: Non-Finnish European, 0.0016%; no homozygotes.

Submission:

GeneDx
Classification: Uncertain significance. Last evaluated: 2025-12-26. Review status: criteria provided, single submitter. Criteria: GeneDx Variant Classification Process June 2021. Collection method: clinical testing. Allele origin: germline. Affected: yes.
Comment: Has not been previously published as pathogenic or benign to our knowledge; Not observed at significant frequency in large population cohorts (gnomAD); In silico analysis suggests that this missense variant does not alter protein structure/function

NM_021830.5(TWNK):c.638G>T (p.Gly213Val)

Gene: TWNK (twinkle mtDNA helicase; plus strand). Cytogenetic location: 10q24.31.
Variant type: single nucleotide variant.
Coding change: c.638G>T on transcript NM_021830.5 (MANE Select); coding-DNA position 638, G replaced by T.
Protein change: p.Gly213Val; replaces glycine 213 with valine.
Molecular consequence: missense variant. On other transcripts: non-coding transcript variant (4), intron variant (3).
Genome position (GRCh38, 1-based): chr10:100,988,848, G>T. VCF-style: chr10-100988848-G-T. GRCh37 (hg19) VCF-style: chr10-102748605-G-T.
Other names: c.638G>T, p.Gly213Val (NM_001163812.2); c.-119-796G>T (NM_001163814.2, NM_001163813.2); c.-57-858G>T (NM_001368275.1); short protein forms G213V.
Identifiers: ClinVar variation 392482 (VCV000392482.4), dbSNP rs1057524510, ClinGen allele CA16606613.